The following is an entry in ClinVar:

ClinVar aggregate classification (germline): Uncertain significance (1 of 4 stars; one submission).

Conditions:
Hereditary cancer-predisposing syndrome. Also called: Neoplastic Syndromes, Hereditary; Tumor predisposition; Hereditary Cancer Syndrome; Hereditary neoplastic syndrome. Identifiers: Orphanet 140162, MedGen C0027672, MeSH D009386, MONDO:0015356.

Submission:

Ambry Genetics
Classification: Uncertain significance for Hereditary cancer-predisposing syndrome. Last evaluated: 2025-09-06. Review status: criteria provided, single submitter. Criteria: Ambry Variant Classification Scheme 2023. Collection method: clinical testing. Allele origin: germline.
Comment: The p.D70G variant (also known as c.209A>G), located in coding exon 1 of the TMEM127 gene, results from an A to G substitution at nucleotide position 209. The aspartic acid at codon 70 is replaced by glycine, an amino acid with similar properties. This amino acid position is conserved. In addition, this alteration is predicted to be deleterious by in silico analysis. Based on the available evidence, the clinical significance of this variant remains unclear.

NM_017849.4(TMEM127):c.209A>G (p.Asp70Gly)

Gene: TMEM127 (transmembrane protein 127; minus strand). Cytogenetic location: 2q11.2.
Variant type: single nucleotide variant.
Coding change: c.209A>G on transcript NM_017849.4 (MANE Select); coding-DNA position 209, A replaced by G.
Protein change: p.Asp70Gly; replaces aspartic acid 70 with glycine.
Molecular consequence: missense variant. On other transcripts: intron variant (1).
Genome position (GRCh38, 1-based): chr2:96,265,173, T>C on the plus strand (A>G on the coding strand, the complement: TMEM127 is on the minus strand). VCF-style: chr2-96265173-T-C. GRCh37 (hg19) VCF-style: chr2-96930911-T-C.
Other names: c.-9+696A>G (NM_001407283.1); c.209A>G, p.Asp70Gly (NM_001193304.3); short protein forms D70G.
Identifiers: ClinVar variation 4185921 (VCV004185921.1).